The following is an entry in ClinVar:

NM_153026.3(PRICKLE1):c.1640G>A (p.Gly547Glu)

Gene: PRICKLE1 (prickle planar cell polarity protein 1; minus strand). Cytogenetic location: 12q12.
Variant type: single nucleotide variant.
Coding change: c.1640G>A on transcript NM_153026.3 (MANE Select); coding-DNA position 1640, G replaced by A.
Protein change: p.Gly547Glu; replaces glycine 547 with glutamic acid.
Molecular consequence: missense variant.
Genome position (GRCh38, 1-based): chr12:42,460,665, C>T on the plus strand (G>A on the coding strand, the complement: PRICKLE1 is on the minus strand). VCF-style: chr12-42460665-C-T. GRCh37 (hg19) VCF-style: chr12-42854467-C-T.
Other names: c.1640G>A, p.Gly547Glu (NM_001144881.2, NM_001144882.2, NM_001144883.2); short protein forms G547E.
Identifiers: ClinVar variation 1957238 (VCV001957238.2), dbSNP rs1428542328, ClinGen allele CA384441228.

ClinVar aggregate classification (germline): Uncertain significance (1 of 4 stars; one submission).

Conditions:
Epilepsy, progressive myoclonic, 1B. Also called: PME. Identifiers: Orphanet 308, MedGen C2676254, MONDO:0012904, OMIM 612437.

Allele frequency attached by ClinVar (database versions not stated): TOPMed below 0.00001; gnomAD exomes 0.00001.
gnomAD v4.1: 18 of 1,607,568 alleles (0.0011%); highest among the groups gnomAD compares: Non-Finnish European, 0.0015%; no homozygotes.

Submission:

Labcorp Genetics (formerly Invitae), Labcorp
Classification: Uncertain significance for Epilepsy, progressive myoclonic, 1B. Last evaluated: 2022-03-06. Review status: criteria provided, single submitter. Criteria: Invitae Variant Classification Sherloc (09022015). Collection method: clinical testing. Allele origin: germline.
Comment: This sequence change replaces glycine, which is neutral and non-polar, with glutamic acid, which is acidic and polar, at codon 547 of the PRICKLE1 protein (p.Gly547Glu). This variant is present in population databases (no rsID available, gnomAD 0.003%). This variant has not been reported in the literature in individuals affected with PRICKLE1-related conditions. Algorithms developed to predict the effect of missense changes on protein structure and function (SIFT, PolyPhen-2, Align-GVGD) all suggest that this variant is likely to be disruptive. Algorithms developed to predict the effect of sequence changes on RNA splicing suggest that this variant may create or strengthen a splice site. In summary, the available evidence is currently insufficient to determine the role of this variant in disease. Therefore, it has been classified as a Variant of Uncertain Significance.